The following is an entry in ClinVar:

NM_001844.5(COL2A1):c.3886+1G>A

Gene: COL2A1 (collagen type II alpha 1 chain; minus strand). Cytogenetic location: 12q13.11.
Variant type: single nucleotide variant.
Coding change: c.3886+1G>A on transcript NM_001844.5 (MANE Select); the canonical splice donor site of the intron after coding-DNA position 3886, G replaced by A.
Molecular consequence: splice donor variant.
Genome position (GRCh38, 1-based): chr12:47,975,316, C>T on the plus strand (G>A on the coding strand, the complement: COL2A1 is on the minus strand). VCF-style: chr12-47975316-C-T. GRCh37 (hg19) VCF-style: chr12-48369099-C-T.
Other names: c.3679+1G>A (NM_033150.3).
Identifiers: ClinVar variation 1453156 (VCV001453156.9), dbSNP rs2136510769, ClinGen allele CA384536261.
Genomic context (GRCh38, chr12:47,975,316, plus strand): 5'-GCTAGGCCTAAGGGATGACTCCCTGCTTCCCGGGGCAGGGGATCCTGTTCTCCAAGCTTA[C>T]CACTCTTCCACTCAGGGTGGCAGAGTTTCAGGTCTCTGCAGGTGCGAGCAGGGTTCTTGC-3'

ClinVar aggregate classification (germline): Pathogenic. Review status: criteria provided, multiple submitters, no conflicts (2 of 4 stars). 2 submissions from 2 submitters: Pathogenic (2). Last evaluated 2024-11-01.

Conditions:
Stickler syndrome. Identifiers: Orphanet 828, MedGen C0265253, MONDO:0019354.

Submissions (2):

Cambridge Genomics Laboratory, East Genomic Laboratory Hub, NHS Genomic Medicine Service
Classification: Pathogenic for Stickler syndrome. Last evaluated: 2024-11-01. Review status: criteria provided, single submitter. Criteria: ACGS Best Practice Guidelines for Variant Classification in Rare Disease 2020. Collection method: clinical testing. Allele origin: germline. Affected: yes.
Comment: PVS1,PS1_Supporting,PS4_Moderate,PM2,PP4

Labcorp Genetics (formerly Invitae), Labcorp
Classification: Pathogenic. Last evaluated: 2021-01-19. Review status: criteria provided, single submitter. Criteria: Invitae Variant Classification Sherloc (09022015). Collection method: clinical testing. Allele origin: germline.
Comment: For these reasons, this variant has been classified as Pathogenic. Experimental studies have shown that this variant disrupts mRNA splicing and is expected to lead to the loss of protein expression (PMID: 16752401). This sequence change affects a donor splice site in intron 51 of the COL2A1 gene. It is expected to disrupt RNA splicing. Variants that disrupt the donor or acceptor splice site typically lead to a loss of protein function (PMID: 16199547), and loss-of-function variants in COL2A1 are known to be pathogenic (PMID: 20179744). This variant is not present in population databases (ExAC no frequency). This variant has been observed in individual(s) with Stickler syndrome (PMID: 16752401).

Literature cited by the submitters: PubMed 16752401 (cited by Labcorp Genetics (formerly Invitae), Labcorp); PubMed 16199547 (cited by Labcorp Genetics (formerly Invitae), Labcorp); PubMed 20179744 (cited by Labcorp Genetics (formerly Invitae), Labcorp).